The following is an entry in ClinVar:

ClinVar aggregate classification (germline): Likely benign (1 of 4 stars; one submission).

Conditions:
Tooth agenesis, selective, 3 (STHAG3). Also called: HYPODONTIA/OLIGODONTIA 3. Identifiers: Orphanet 99798, MedGen C1970291, MONDO:0011477, OMIM 604625. Disease mechanism: loss of function.

Allele frequency attached by ClinVar (database versions not stated): 1000 Genomes Project 0.00359; 1000 Genomes Project 30x 0.00359; gnomAD 0.00384 and 0.00390; TOPMed 0.00406.
gnomAD v4.1: 2,438 of 753,262 alleles (0.32%); highest among the groups gnomAD compares: Admixed American, 0.48%; 11 homozygotes.

Submission:

Illumina Laboratory Services, Illumina
Classification: Likely benign for Tooth agenesis, selective, 3. Last evaluated: 2018-01-13. Review status: criteria provided, single submitter. Criteria: ICSL Variant Classification Criteria 13 December 2019. Collection method: clinical testing. Allele origin: germline.
Comment: This variant was observed in the ICSL laboratory as part of a predisposition screen in an ostensibly healthy population. It had not been previously curated by ICSL or reported in the Human Gene Mutation Database (HGMD: prior to June 1st, 2018), and was therefore a candidate for classification through an automated scoring system. Utilizing variant allele frequency, disease prevalence and penetrance estimates, and inheritance mode, an automated score was calculated to assess if this variant is too frequent to cause the disease. Based on the score and internal cut-off values, a variant classified as likely benign is not then subjected to further curation. The score for this variant resulted in a classification of likely benign for this disease.

NM_001372076.1(PAX9):c.-175G>C

Gene: PAX9 (paired box 9; plus strand). Cytogenetic location: 14q13.3.
Variant type: single nucleotide variant.
Coding change: c.-175G>C on transcript NM_001372076.1 (MANE Select); 175 bases upstream of the start codon, G replaced by C.
Molecular consequence: 5 prime UTR variant.
Genome position (GRCh38, 1-based): chr14:36,661,915, G>C. VCF-style: chr14-36661915-G-C. GRCh37 (hg19) VCF-style: chr14-37131120-G-C.
Other names: c.-175G>C (NM_006194.4).
Identifiers: ClinVar variation 883181 (VCV000883181.4), dbSNP rs144429269, ClinGen allele CA258924862.